The following is an entry in ClinVar:

ClinVar aggregate classification (germline): Uncertain significance (1 of 4 stars; one submission).

Conditions:
Hereditary cancer-predisposing syndrome. Also called: Neoplastic Syndromes, Hereditary; Tumor predisposition; Hereditary neoplastic syndrome; Hereditary Cancer Syndrome. Identifiers: Orphanet 140162, MedGen C0027672, MeSH D009386, MONDO:0015356.

Submission:

Ambry Genetics
Classification: Uncertain significance for Hereditary cancer-predisposing syndrome. Last evaluated: 2023-01-29. Review status: criteria provided, single submitter. Criteria: Ambry Variant Classification Scheme 2023. Collection method: clinical testing. Allele origin: germline.
Comment: The p.S1479R variant (also known as c.4437T>A), located in coding exon 10 of the BRCA2 gene, results from a T to A substitution at nucleotide position 4437. The serine at codon 1479 is replaced by arginine, an amino acid with dissimilar properties. This amino acid position is conserved. In addition, this alteration is predicted to be tolerated by in silico analysis. Since supporting evidence is limited at this time, the clinical significance of this alteration remains unclear.

NM_000059.4(BRCA2):c.4437T>A (p.Ser1479Arg)

Gene: BRCA2 (BRCA2 DNA repair associated; plus strand). Cytogenetic location: 13q13.1.
Variant type: single nucleotide variant.
Coding change: c.4437T>A on transcript NM_000059.4 (MANE Select); coding-DNA position 4437, T replaced by A.
Protein change: p.Ser1479Arg; replaces serine 1479 with arginine.
Molecular consequence: missense variant. On other transcripts: non-coding transcript variant (1), intron variant (2).
Genome position (GRCh38, 1-based): chr13:32,338,792, T>A. VCF-style: chr13-32338792-T-A. GRCh37 (hg19) VCF-style: chr13-32912929-T-A.
Other names: c.4437T>A, p.Ser1479Arg (NM_001406719.1, NM_001406720.1); c.1909+5405T>A (NM_001406721.1); c.425-5766T>A (NM_001406722.1); short protein forms S1479R.
Identifiers: ClinVar variation 2451553 (VCV002451553.2), dbSNP rs2137506333, ClinGen allele CA387781316.